The following is an entry in ClinVar:

ClinVar aggregate classification (germline): Pathogenic/Likely pathogenic. Review status: criteria provided, multiple submitters, no conflicts (2 of 4 stars). 5 submissions from 5 submitters: Pathogenic (1); Likely pathogenic (3). 1 of the submissions does not count toward it. Last evaluated 2025-11-27.

Conditions:
Focal segmental glomerulosclerosis 9 (FSGS9). Identifiers: Orphanet 656, MedGen C4015555, MONDO:0014539, OMIM 616220.
CRB2-related disorder. Also called: CRB2-related condition; CRB2-related disorders.

Allele frequency attached by ClinVar (database versions not stated): ExAC 0.00001; gnomAD exomes 0.00001 and 0.00002; gnomAD 0.00003; TOPMed 0.00003.
gnomAD v4.1: 18 of 1,602,550 alleles (0.0011%); highest among the groups gnomAD compares: Admixed American, 0.0051%; no homozygotes.

Submissions (5):

3billion
Classification: Likely pathogenic for Focal segmental glomerulosclerosis 9. Last evaluated: 2025-11-27. Review status: criteria provided, single submitter. Criteria: ACMG Guidelines, 2015. Collection method: clinical testing. Allele origin: germline. Affected: yes.
Comment: The variant is observed at an extremely low frequency in the gnomAD v4.1.0 dataset (total allele frequency: 0.001%). Predicted Consequence/Location: Missense variant In silico tool predictions suggest damaging effect of the variant on gene or gene product [REVEL: 0.94 (>=0.6, sensitivity 0.68 and specificity 0.92)]. The same nucleotide change resulting in the same amino acid change has been previously reported to be associated with CRB2-related disorder (ClinVar ID: VCV000829899 /PMID: 36071576). The variant has been reported to be in trans with a pathogenic variant as either compound heterozygous or homozygous in at least one similarly affected unrelated individual (PMID: 36071576). Therefore, this variant is classified as Likely pathogenic according to the recommendation of ACMG/AMP guideline.

PreventionGenetics, part of Exact Sciences
Classification: Likely pathogenic for CRB2-related condition. Last evaluated: 2025-04-18. Review status: criteria provided, single submitter. Criteria: ACMG Guidelines, 2015. Collection method: clinical testing. Allele origin: germline.
Comment: The CRB2 c.3613G>A variant is predicted to result in the amino acid substitution p.Gly1205Ser. This variant has been reported in the compound heterozygous state with a pathogenic nonsense variant c.2290C>T (p.Arg764*) in two siblings with steroid-resistant nephrotic syndrome (SRNS) presenting with edema, proteinuria, hypoproteinemia, and hyperlipidemia (Lu et al. 2021. PubMed ID: 33969091); and these siblings was reviewed and compared with other newly reported patients with CRB2-related phenotypes (Table S1, Adutwum et al. 2023. PubMed ID: 36071576). This variant is reported in 0.012% of alleles in individuals of African descent in gnomAD. The REVEL (rare exome variant ensemble learner) program predicts the p.Gly1205Ser variant is pathogenic at a "strong" level (Ioannidis et al. 2016. PubMed ID: 27666373; Bergquist et al. 2024. PubMed ID: 39345488). This variant is interpreted as likely pathogenic.

Labcorp Genetics (formerly Invitae), Labcorp
Classification: Pathogenic. Last evaluated: 2024-04-25. Review status: criteria provided, single submitter. Criteria: Invitae Variant Classification Sherloc (09022015). Collection method: clinical testing. Allele origin: germline.
Comment: This sequence change replaces glycine, which is neutral and non-polar, with serine, which is neutral and polar, at codon 1205 of the CRB2 protein (p.Gly1205Ser). This variant is present in population databases (rs779586424, gnomAD 0.01%). This missense change has been observed in individual(s) with steroid resistant nephrotic syndrome (PMID: 33969091). In at least one individual the data is consistent with being in trans (on the opposite chromosome) from a pathogenic variant. It has also been observed to segregate with disease in related individuals. ClinVar contains an entry for this variant (Variation ID: 829899). Advanced modeling of protein sequence and biophysical properties (such as structural, functional, and spatial information, amino acid conservation, physicochemical variation, residue mobility, and thermodynamic stability) performed at Invitae indicates that this missense variant is expected to disrupt CRB2 protein function with a positive predictive value of 95%. For these reasons, this variant has been classified as Pathogenic.

Blueprint Genetics
Classification: Likely pathogenic for CRB2-related disorders. Last evaluated: 2024-03-08. Review status: criteria provided, single submitter. Criteria: ACMG Guidelines, 2015. Collection method: clinical testing. Allele origin: germline. Affected: yes. Observed: 1 variant allele.

Bioscientia Institut fuer Medizinische Diagnostik GmbH, Sonic Healthcare
Classification: Uncertain significance for Focal segmental glomerulosclerosis 9. Last evaluated: 2019-10-09. Review status: no assertion criteria provided. Collection method: clinical testing. Allele origin: germline. Affected: yes. Not counted in ClinVar's aggregate classification.

Literature cited by the submitters: PubMed 36071576 (cited by 3billion); PubMed 33969091 (cited by Labcorp Genetics (formerly Invitae), Labcorp).

NM_173689.7(CRB2):c.3613G>A (p.Gly1205Ser)

Gene: CRB2 (crumbs cell polarity complex component 2; plus strand). Cytogenetic location: 9q33.3.
Variant type: single nucleotide variant.
Coding change: c.3613G>A on transcript NM_173689.7 (MANE Select); coding-DNA position 3613, G replaced by A.
Protein change: p.Gly1205Ser; replaces glycine 1205 with serine.
Molecular consequence: missense variant. On other transcripts: non-coding transcript variant (1).
Genome position (GRCh38, 1-based): chr9:123,375,323, G>A. VCF-style: chr9-123375323-G-A. GRCh37 (hg19) VCF-style: chr9-126137602-G-A.
Other names: short protein forms G1205S.
Identifiers: ClinVar variation 829899 (VCV000829899.9), dbSNP rs779586424, ClinGen allele CA5232545.
Genomic context (GRCh38, chr9:123,375,323, plus strand): 5'-GGGGGCACCTGCCGGGCAGCTGGAGGGGTGTCTGAATGTATCTGCAATGCCAGATTCTCC[G>A]GCCAGTTCTGTGAAGTGGCGGTGAGTGTTGTCAGGGGTGAGGGGCCGTGGACGTGGCCTG-3'
Protein context (NP_775960.4, residues 1195-1215): SECICNARFS[Gly1205Ser]QFCEVAKGLP